The following is an entry in ClinVar:

ClinVar aggregate classification (germline): Uncertain significance (1 of 4 stars; one submission).

Submission:

Labcorp Genetics (formerly Invitae), Labcorp
Classification: Uncertain significance. Last evaluated: 2024-09-01. Review status: criteria provided, single submitter. Criteria: Invitae Variant Classification Sherloc (09022015). Collection method: clinical testing. Allele origin: germline.
Comment: This sequence change replaces glutamine, which is neutral and polar, with glutamic acid, which is acidic and polar, at codon 720 of the MSH3 protein (p.Gln720Glu). This variant is not present in population databases (gnomAD no frequency). This variant has not been reported in the literature in individuals affected with MSH3-related conditions. An algorithm developed to predict the effect of missense changes on protein structure and function (PolyPhen-2) suggests that this variant is likely to be tolerated. In summary, the available evidence is currently insufficient to determine the role of this variant in disease. Therefore, it has been classified as a Variant of Uncertain Significance.

NM_002439.5(MSH3):c.2158C>G (p.Gln720Glu)

Gene: MSH3 (mutS homolog 3; plus strand). Cytogenetic location: 5q14.1.
Variant type: single nucleotide variant.
Coding change: c.2158C>G on transcript NM_002439.5 (MANE Select); coding-DNA position 2158, C replaced by G.
Protein change: p.Gln720Glu; replaces glutamine 720 with glutamic acid.
Molecular consequence: missense variant.
Genome position (GRCh38, 1-based): chr5:80,768,908, C>G. VCF-style: chr5-80768908-C-G. GRCh37 (hg19) VCF-style: chr5-80064727-C-G.
Other names: short protein forms Q720E.
Identifiers: ClinVar variation 3664114 (VCV003664114.2).